The following is an entry in ClinVar:

ClinVar aggregate classification (germline): Uncertain significance (1 of 4 stars; one submission).

Conditions:
Hereditary cancer-predisposing syndrome. Also called: Hereditary Cancer Syndrome; Neoplastic Syndromes, Hereditary; Tumor predisposition; Hereditary neoplastic syndrome. Identifiers: Orphanet 140162, MedGen C0027672, MeSH D009386, MONDO:0015356.

Submission:

Ambry Genetics
Classification: Uncertain significance for Hereditary cancer-predisposing syndrome. Last evaluated: 2021-03-17. Review status: criteria provided, single submitter. Criteria: Ambry Variant Classification Scheme 2023. Collection method: clinical testing. Allele origin: germline.
Comment: The p.P4Q variant (also known as c.11C>A), located in coding exon 1 of the SMARCA4 gene, results from a C to A substitution at nucleotide position 11. The proline at codon 4 is replaced by glutamine, an amino acid with similar properties. This amino acid position is well conserved in available vertebrate species. In addition, this alteration is predicted to be deleterious by in silico analysis. Missense and in-frame variants in SMARCA4 are known to cause neurodevelopmental disorders; however, such associations with rhabdoid tumor predisposition syndrome including small cell carcinoma of the ovary-hypercalcemic type (SCCOHT) are exceedingly rare (Kosho T et al. Am J Med Genet C Semin Med Genet. 2014 Sep;166C(3):262-75; Jelinic P et al. Nat Genet. 2014 May;46(5):424-6). Since supporting evidence is limited at this time, the clinical significance of this alteration remains unclear.

NM_003072.5(SMARCA4):c.11C>A (p.Pro4Gln)

Gene: SMARCA4 (SWI/SNF related BAF chromatin remodeling complex subunit ATPase 4; plus strand). Cytogenetic location: 19p13.2.
Variant type: single nucleotide variant.
Coding change: c.11C>A on transcript NM_003072.5 (MANE Select); coding-DNA position 11, C replaced by A.
Protein change: p.Pro4Gln; replaces proline 4 with glutamine.
Molecular consequence: missense variant. On other transcripts: non-coding transcript variant (1).
Genome position (GRCh38, 1-based): chr19:10,984,162, C>A. VCF-style: chr19-10984162-C-A. GRCh37 (hg19) VCF-style: chr19-11094838-C-A.
Other names: c.11C>A, p.Pro4Gln (NM_001128844.3, NM_001128845.2, NM_001128846.2 and 6 more transcripts); short protein forms P4Q.
Identifiers: ClinVar variation 1747025 (VCV001747025.2), dbSNP rs2145720277, ClinGen allele CA404053856.